The following is an entry in ClinVar:

ClinVar aggregate classification (germline): Uncertain significance (1 of 4 stars; one submission).

Submission:

GeneDx
Classification: Uncertain significance. Last evaluated: 2024-12-16. Review status: criteria provided, single submitter. Criteria: GeneDx Variant Classification Process June 2021. Collection method: clinical testing. Allele origin: germline. Affected: yes.
Comment: Not observed at significant frequency in large population cohorts (gnomAD); In silico analysis supports that this missense variant has a deleterious effect on protein structure/function; Has not been previously published as pathogenic or benign to our knowledge

NM_001830.4(CLCN4):c.283A>G (p.Met95Val)

Gene: CLCN4 (chloride voltage-gated channel 4; plus strand). Cytogenetic location: Xp22.2.
Variant type: single nucleotide variant.
Coding change: c.283A>G on transcript NM_001830.4 (MANE Select); coding-DNA position 283, A replaced by G.
Protein change: p.Met95Val; replaces methionine 95 with valine.
Molecular consequence: missense variant. On other transcripts: initiator codon variant (1).
Genome position (GRCh38, 1-based): chrX:10,194,949, A>G. VCF-style: chrX-10194949-A-G. GRCh37 (hg19) VCF-style: chrX-10162989-A-G.
Other names: c.1A>G, p.Met1Val (NM_001256944.2); short protein forms M1V, M95V.
Identifiers: ClinVar variation 3906623 (VCV003906623.1).
Genomic context (GRCh38, chrX:10,194,949, plus strand): 5'-TGGCTCGTGTTACTTCTTCCAGGCACCTTGGCTGGGGTCATCGATCTCGCCGTGGACTGG[A>G]TGACGGACCTGAAGGAGGGGGTCTGCCTGTCTGCCTTCTGGTATAGCCATGAGCAGTGTT-3'
Protein context (NP_001821.2, residues 85-105): AGVIDLAVDW[Met95Val]TDLKEGVCLS